The following is an entry in ClinVar:

ClinVar aggregate classification (germline): Pathogenic/Likely pathogenic. Review status: criteria provided, multiple submitters, no conflicts (2 of 4 stars). 2 submissions from 2 submitters: Pathogenic (1); Likely pathogenic (1). Last evaluated 2023-09-14.

Conditions:
Kabuki syndrome 1 (KABUK1). Also called: KMT2D-Related Kabuki Syndrome. Identifiers: Orphanet 2322, MedGen CN030661, MONDO:0007843, OMIM 147920.

Submissions (2):

GeneDx
Classification: Pathogenic. Last evaluated: 2023-09-14. Review status: criteria provided, single submitter. Criteria: GeneDx Variant Classification Process June 2021. Collection method: clinical testing. Allele origin: germline. Affected: yes.
Comment: Nonsense variant predicted to result in protein truncation or nonsense mediated decay in a gene for which loss of function is a known mechanism of disease; Not observed at significant frequency in large population cohorts (gnomAD); This variant is associated with the following publications: (PMID: 28475860, 29304373)

Center for Human Genetics, Inc
Classification: Likely pathogenic for Kabuki syndrome 1. Last evaluated: 2016-11-01. Review status: criteria provided, single submitter. Criteria: ACMG Guidelines, 2015. Collection method: clinical testing. Allele origin: germline. Affected: yes.

NM_003482.4(KMT2D):c.11710C>T (p.Gln3904Ter)

Gene: KMT2D (lysine methyltransferase 2D; minus strand). Cytogenetic location: 12q13.12.
Variant type: single nucleotide variant.
Coding change: c.11710C>T on transcript NM_003482.4 (MANE Select); coding-DNA position 11710, C replaced by T.
Protein change: p.Gln3904Ter; replaces glutamine 3904 with a stop codon.
Molecular consequence: nonsense.
Genome position (GRCh38, 1-based): chr12:49,032,995, G>A on the plus strand (C>T on the coding strand, the complement: KMT2D is on the minus strand). VCF-style: chr12-49032995-G-A. GRCh37 (hg19) VCF-style: chr12-49426778-G-A.
Other names: short protein forms Q3904*.
Identifiers: ClinVar variation 547477 (VCV000547477.2), dbSNP rs1555188537, ClinGen allele CA384716364.